The following is an entry in ClinVar:

NM_005609.4(PYGM):c.493_514del (p.Gly165fs)

Gene: PYGM (glycogen phosphorylase, muscle associated; minus strand). Cytogenetic location: 11q13.1.
Variant type: Deletion.
Coding change: c.493_514del on transcript NM_005609.4 (MANE Select); coding-DNA positions 493 to 514, 22 bases deleted (GGGATTTTTAACCAGAAGATCT).
Protein change: p.Gly165fs; shifts the reading frame from glycine 165.
Molecular consequence: frameshift variant. On other transcripts: splice acceptor variant (1).
Genome position (GRCh38, 1-based): chr11:64,758,260-64,758,281, AGATCTTCTGGTTAAAAATCCC deleted on the plus strand (GGGATTTTTAACCAGAAGATCT on the coding strand, the reverse complement: PYGM is on the minus strand); deleting any 22 consecutive bases within chr11:64,758,260-64,758,282 gives the same sequence; the c. name uses the placement nearest the transcript's 3' end. VCF-style (leftmost placement, unchanged base first): chr11-64758259-GAGATCTTCTGGTTAAAAATCCC-G. GRCh37 (hg19) VCF-style: chr11-64525731-GAGATCTTCTGGTTAAAAATCCC-G.
Other names: c.244-15_250del (NM_001164716.1); short protein forms G165fs.
Identifiers: ClinVar variation 1069821 (VCV001069821.7), dbSNP rs2135839973, ClinGen allele CA2499221133.
Genomic context (GRCh38, chr11:64,758,259, plus strand): 5'-TTCCCCATCCTGACTAGACCCCACAAGTTAGAGCCAAGGCTGCTCACCTGCCAGCCCCCG[GAGATCTTCTGGTTAAAAATCCC>G]AAACTCATAGCGAATCCCGTAGCCATAGGCGGCCAGGCCCAGTGTTGCCATGGAGTCAAG-3'

ClinVar aggregate classification (germline): Pathogenic (1 of 4 stars; one submission).

Conditions:
Glycogen storage disease, type V (GSD5). Also called: MCARDLE DISEASE; MUSCLE GLYCOGEN PHOSPHORYLASE DEFICIENCY; MYOPHOSPHORYLASE DEFICIENCY; PYGM DEFICIENCY; McArdle type glycogen storage disease. Identifiers: Orphanet 368, MedGen C0017924, MONDO:0009293, OMIM 232600.

Submission:

Labcorp Genetics (formerly Invitae), Labcorp
Classification: Pathogenic for Glycogen storage disease, type V. Last evaluated: 2020-09-20. Review status: criteria provided, single submitter. Criteria: Invitae Variant Classification Sherloc (09022015). Collection method: clinical testing. Allele origin: germline.
Comment: This sequence change creates a premature translational stop signal (p.Gly165Profs*123) in the PYGM gene. It is expected to result in an absent or disrupted protein product. For these reasons, this variant has been classified as Pathogenic. Loss-of-function variants in PYGM are known to be pathogenic (PMID: 8316268, 16786513). This variant has not been reported in the literature in individuals with PYGM-related conditions. This variant is not present in population databases (ExAC no frequency).

Literature cited by the submitters: PubMed 8316268; PubMed 16786513.